The following is an entry in ClinVar:

NM_005188.4(CBL):c.869+15G>A

Gene: CBL (Cbl proto-oncogene; plus strand). Cytogenetic location: 11q23.3.
Variant type: single nucleotide variant.
Coding change: c.869+15G>A on transcript NM_005188.4 (MANE Select); 15 bases into the intron after coding-DNA position 869, G replaced by A.
Molecular consequence: intron variant.
Genome position (GRCh38, 1-based): chr11:119,274,968, G>A. VCF-style: chr11-119274968-G-A. GRCh37 (hg19) VCF-style: chr11-119145678-G-A.
Identifiers: ClinVar variation 513305 (VCV000513305.18), dbSNP rs761328610, ClinGen allele CA6318357.
Genomic context (GRCh38, chr11:119,274,968, plus strand): 5'-ACGAAGTGAAAGCTCGGCTCCAGAAATTCATTCACAAACCTGGCAGGTCAGTTCAATGAC[G>A]CAAAGAGATTTATTCTTCTGAATTTCGTTATCTTGAGACTTCTGCTAGTATAGAAGAAAC-3'

ClinVar aggregate classification (germline): Conflicting classifications of pathogenicity. Review status: criteria provided, conflicting classifications (1 of 4 stars). 7 submissions from 7 submitters: Uncertain significance (1); Likely benign (4). 2 of the submissions do not count toward it. Last evaluated 2025-09-28.

Conditions:
RASopathy. Also called: Noonan spectrum disorder; rasopathies. Identifiers: Orphanet 536391, MedGen C5555857, MONDO:0021060.
CBL-related disorder. Also called: NOONAN SYNDROME-LIKE DISORDER WITHOUT JUVENILE MYELOMONOCYTIC LEUKEMIA; CBL MUTATION-ASSOCIATED SYNDROME; CBL SYNDROME. Identifiers: Orphanet 363972, MedGen C3150803, MONDO:0013308, OMIM 613563.

Allele frequency attached by ClinVar (database versions not stated): gnomAD 0.00003; gnomAD exomes 0.00001; TOPMed 0.00002.
gnomAD v4.1: 65 of 1,610,376 alleles (0.004%); highest among the groups gnomAD compares: Middle Eastern, 0.033%; no homozygotes.

Submissions (7):

Labcorp Genetics (formerly Invitae), Labcorp
Classification: Likely benign for RASopathy. Last evaluated: 2025-09-28. Review status: criteria provided, single submitter. Criteria: Invitae Variant Classification Sherloc (09022015). Collection method: clinical testing. Allele origin: germline.

Women's Health and Genetics/Laboratory Corporation of America, LabCorp
Classification: Likely benign. Last evaluated: 2024-08-17. Review status: criteria provided, single submitter. Criteria: LabCorp Variant Classification Summary - May 2015. Collection method: clinical testing. Allele origin: germline.

Blueprint Genetics
Classification: Likely benign. Last evaluated: 2024-03-07. Review status: criteria provided, single submitter. Criteria: ACMG Guidelines, 2015. Collection method: clinical testing. Allele origin: germline.

GeneDx
Classification: Likely benign. Last evaluated: 2017-11-13. Review status: criteria provided, single submitter. Criteria: GeneDx Variant Classification (06012015). Collection method: clinical testing. Allele origin: germline. Affected: yes.
Comment: This variant is considered likely benign or benign based on one or more of the following criteria: it is a conservative change, it occurs at a poorly conserved position in the protein, it is predicted to be benign by multiple in silico algorithms, and/or has population frequency not consistent with disease.

Illumina Laboratory Services, Illumina
Classification: Uncertain significance for CBL-related disorder. Last evaluated: 2017-04-28. Review status: criteria provided, single submitter. Criteria: ICSL Variant Classification Criteria 13 December 2019. Collection method: clinical testing. Allele origin: germline.

Clinical Genetics, Academic Medical Center
Classification: Likely benign. Review status: no assertion criteria provided. Collection method: clinical testing. Allele origin: germline. Affected: yes. Study: VKGL Data-share Consensus. Not counted in ClinVar's aggregate classification.

Joint Genome Diagnostic Labs from Nijmegen and Maastricht, Radboudumc and MUMC+
Classification: Likely benign. Review status: no assertion criteria provided. Collection method: clinical testing. Allele origin: germline. Affected: yes. Study: VKGL Data-share Consensus. Not counted in ClinVar's aggregate classification.